The following is an entry in ClinVar:

ClinVar aggregate classification (germline): Conflicting classifications of pathogenicity. Review status: criteria provided, conflicting classifications (1 of 4 stars). 2 submissions from 2 submitters: Uncertain significance (1); Likely benign (1). Last evaluated 2026-03-27.

Conditions:
Renal cell carcinoma. Identifiers: Orphanet 217071, MedGen C0007134, MeSH D002292, MONDO:0005086, HP:0005584.
Hereditary cancer-predisposing syndrome. Also called: Hereditary neoplastic syndrome; Tumor predisposition; Hereditary Cancer Syndrome; Neoplastic Syndromes, Hereditary. Identifiers: Orphanet 140162, MedGen C0027672, MeSH D009386, MONDO:0015356.

gnomAD v4.1: 3 of 1,613,934 alleles (0.00019%); highest among the groups gnomAD compares: Non-Finnish European, 0.00025%; no homozygotes.

Submissions (2):

Ambry Genetics
Classification: Likely benign for Hereditary cancer-predisposing syndrome. Last evaluated: 2026-03-27. Review status: criteria provided, single submitter. Criteria: Ambry Variant Classification Scheme 2023. Collection method: clinical testing. Allele origin: germline.

Labcorp Genetics (formerly Invitae), Labcorp
Classification: Uncertain significance for Renal cell carcinoma. Last evaluated: 2024-02-11. Review status: criteria provided, single submitter. Criteria: Invitae Variant Classification Sherloc (09022015). Collection method: clinical testing. Allele origin: germline.
Comment: This sequence change replaces asparagine, which is neutral and polar, with serine, which is neutral and polar, at codon 642 of the MET protein (p.Asn642Ser). This variant is not present in population databases (gnomAD no frequency). This variant has not been reported in the literature in individuals affected with MET-related conditions. Advanced modeling of protein sequence and biophysical properties (such as structural, functional, and spatial information, amino acid conservation, physicochemical variation, residue mobility, and thermodynamic stability) performed at Invitae indicates that this missense variant is not expected to disrupt MET protein function with a negative predictive value of 80%. In summary, the available evidence is currently insufficient to determine the role of this variant in disease. Therefore, it has been classified as a Variant of Uncertain Significance.

NM_000245.4(MET):c.1925A>G (p.Asn642Ser)

Gene: MET (MET proto-oncogene, receptor tyrosine kinase; plus strand). Cytogenetic location: 7q31.2.
Variant type: single nucleotide variant.
Coding change: c.1925A>G on transcript NM_000245.4 (MANE Select); coding-DNA position 1925, A replaced by G.
Protein change: p.Asn642Ser; replaces asparagine 642 with serine.
Molecular consequence: missense variant.
Genome position (GRCh38, 1-based): chr7:116,757,499, A>G. VCF-style: chr7-116757499-A-G. GRCh37 (hg19) VCF-style: chr7-116397553-A-G.
Other names: c.1925A>G, p.Asn642Ser (NM_001127500.3, NM_001324401.3); c.635A>G, p.Asn212Ser (NM_001324402.2); short protein forms N642S, N212S.
Identifiers: ClinVar variation 3639230 (VCV003639230.3).